The following is an entry in ClinVar:

NC_000023.11:g.(?_32565692)_(32626362_?)del

Gene: DMD (dystrophin; minus strand). Cytogenetic location: Xp21.1.
Variant type: Deletion.
Identifiers: ClinVar variation 831817 (VCV000831817.1).

ClinVar aggregate classification (germline): Pathogenic (1 of 4 stars; one submission).

Conditions:
Duchenne muscular dystrophy (DMD). Also called: Duchenne Muscular Dystrophy (DMD); MUSCULAR DYSTROPHY, PSEUDOHYPERTROPHIC PROGRESSIVE, DUCHENNE TYPE. Identifiers: Orphanet 98896, MedGen C0013264, MONDO:0010679, OMIM 310200.

Submission:

Labcorp Genetics (formerly Invitae), Labcorp
Classification: Pathogenic for Duchenne muscular dystrophy. Last evaluated: 2019-09-03. Review status: criteria provided, single submitter. Criteria: Invitae Variant Classification Sherloc (09022015). Collection method: clinical testing. Allele origin: germline.
Comment: This variant is an out-of-frame deletion of the genomic region encompassing exons 12-16 of the DMD gene. This is expected to create a premature translational stop signal and result in an absent or disrupted protein product. This variant has been observed in an individual affected with Duchenne or Becker muscular dystrophy (PMID: 21150048). Loss-of-function variants in DMD are known to be pathogenic (PMID: 16770791, 25007885). For these reasons, this variant has been classified as Pathogenic.

Literature cited by the submitters: PubMed 21150048.